The following is an entry in ClinVar:

NM_002693.3(POLG):c.729C>A (p.Asp243Glu)

Gene: POLG (DNA polymerase gamma, catalytic subunit; minus strand). Cytogenetic location: 15q26.1.
Variant type: single nucleotide variant.
Coding change: c.729C>A on transcript NM_002693.3 (MANE Select); coding-DNA position 729, C replaced by A.
Protein change: p.Asp243Glu; replaces aspartic acid 243 with glutamic acid.
Molecular consequence: missense variant.
Genome position (GRCh38, 1-based): chr15:89,330,207, G>T on the plus strand (C>A on the coding strand, the complement: POLG is on the minus strand). VCF-style: chr15-89330207-G-T. GRCh37 (hg19) VCF-style: chr15-89873438-G-T.
Other names: c.729C>A, p.Asp243Glu (NM_001126131.2); short protein forms D243E.
Identifiers: ClinVar variation 452496 (VCV000452496.20), dbSNP rs757917194, ClinGen allele CA7725053.

ClinVar aggregate classification (germline): Uncertain significance. Review status: criteria provided, multiple submitters, no conflicts (2 of 4 stars). 6 submissions from 6 submitters: Uncertain significance (6). Last evaluated 2025-08-12.

Conditions:
POLG-related disorder. Also called: POLG-Related Spectrum Disorders; POLG-related condition; POLG-Related Disorders. Identifiers: MedGen C4763519.
Mitochondrial DNA depletion syndrome 4b. Also called: MNGIE, POLG-RELATED; Mitochondrial Neurogastrointestinal Encephalopathy Disease, POLG-Related. Identifiers: MedGen C3150914, MONDO:0013350, OMIM 613662, Orphanet 298.
Progressive external ophthalmoplegia with mitochondrial DNA deletions, autosomal recessive 1 (PEOB1). Also called: Progressive external ophthalmoplegia, autosomal recessive 1; Autosomal Recessive Progressive External Ophthalmoplegia (arPEO). Identifiers: Orphanet 254886, MedGen C4225153, MONDO:0009783, OMIM 258450.
Mitochondrial DNA depletion syndrome 1. Also called: Mitochondrial Neurogastrointestinal Encephalopathy Disease; MITOCHONDRIAL NEUROGASTROINTESTINAL ENCEPHALOPATHY SYNDROME, TYMP-RELATED; MNGIE, TYMP-RELATED; Mitochondrial DNA depletion syndrome 1 (MNGIE type); Mitochondrial DNA Depletion Syndrome, MNGIE Form; Mitochondrial neurogastrointestinal encephalomyopathy syndrome. Identifiers: Orphanet 298, MedGen C4551995, MONDO:0011283, OMIM 603041.
Sensory ataxic neuropathy, dysarthria, and ophthalmoparesis (SANDO). Also called: Sensory ataxic neuropathy-dysarthria-ophthalmoparesis syndrome; Epilepsy, progressive myoclonic, type 5; SENSORY ATAXIC NEUROPATHY WITH MITOCHONDRIAL DNA DELETIONS, AUTOSOMAL RECESSIVE; Ataxia Neuropathy Spectrum (ANS). Identifiers: Orphanet 70595, MedGen C1843851, MONDO:0011835, OMIM 607459.
Progressive external ophthalmoplegia with mitochondrial DNA deletions, autosomal dominant 1 (PEOA1). Also called: PROGRESSIVE EXTERNAL OPHTHALMOPLEGIA, AUTOSOMAL DOMINANT 1; Autosomal Dominant Progressive External Ophthalmoplegia (adPEO). Identifiers: MedGen C1834846, MONDO:0024528, OMIM 157640.
Progressive sclerosing poliodystrophy (MTDPS4A). Also called: Alpers Syndrome; ALPERS DIFFUSE DEGENERATION OF CEREBRAL GRAY MATTER WITH HEPATIC CIRRHOSIS; Alpers-Huttenlocher Syndrome; Mitochondrial DNA depletion syndrome 4A (Alpers type); Mitochondrial DNA Depletion Syndrome 4A; Alpers-Huttenlocher Syndrome (AHS). Identifiers: Orphanet 726, MedGen C0205710, MONDO:0008758, OMIM 203700.

Allele frequency attached by ClinVar (database versions not stated): TOPMed below 0.00001; ExAC 0.00001.
gnomAD v4.1: 15 of 1,613,582 alleles (0.00093%); highest among the groups gnomAD compares: Middle Eastern, 0.017%; no homozygotes.

Submissions (6):

Labcorp Genetics (formerly Invitae), Labcorp
Classification: Uncertain significance for Progressive sclerosing poliodystrophy. Last evaluated: 2025-08-12. Review status: criteria provided, single submitter. Criteria: Invitae Variant Classification Sherloc (09022015). Collection method: clinical testing. Allele origin: germline.
Comment: This sequence change replaces aspartic acid, which is acidic and polar, with glutamic acid, which is acidic and polar, at codon 243 of the POLG protein (p.Asp243Glu). This variant is present in population databases (rs757917194, gnomAD 0.0009%). This missense change has been observed in individual(s) with cerebellar ataxia (PMID: 29482223). ClinVar contains an entry for this variant (Variation ID: 452496). Invitae Evidence Modeling of protein sequence and biophysical properties (such as structural, functional, and spatial information, amino acid conservation, physicochemical variation, residue mobility, and thermodynamic stability) indicates that this missense variant is not expected to disrupt POLG protein function with a negative predictive value of 95%. In summary, the available evidence is currently insufficient to determine the role of this variant in disease. Therefore, it has been classified as a Variant of Uncertain Significance.

GeneDx
Classification: Uncertain significance. Last evaluated: 2024-06-05. Review status: criteria provided, single submitter. Criteria: GeneDx Variant Classification Process June 2021. Collection method: clinical testing. Allele origin: germline. Affected: yes.
Comment: Identified in an individual with a disorder in the metabolic clinical subgroup, however, additional clinical and segregation information was not provided (PMID: 29482223); Not observed at significant frequency in large population cohorts (gnomAD); In silico analysis indicates that this missense variant does not alter protein structure/function; This variant is associated with the following publications: (PMID: 29482223)

Fulgent Genetics
Classification: Uncertain significance for Progressive external ophthalmoplegia with mitochondrial DNA deletions, autosomal dominant 1; Progressive sclerosing poliodystrophy; Progressive external ophthalmoplegia with mitochondrial DNA deletions, autosomal recessive 1; Mitochondrial DNA depletion syndrome 1; Sensory ataxic neuropathy, dysarthria, and ophthalmoparesis; Mitochondrial DNA depletion syndrome 4b. Last evaluated: 2022-01-11. Review status: criteria provided, single submitter. Criteria: ACMG Guidelines, 2015. Collection method: clinical testing. Allele origin: unknown.

Wong Mito Lab, Molecular and Human Genetics, Baylor College of Medicine
Classification: Uncertain significance for Progressive sclerosing poliodystrophy. Last evaluated: 2018-10-01. Review status: criteria provided, single submitter. Criteria: ACMG Guidelines, 2015. Collection method: clinical testing. Allele origin: germline.
Comment: The NM_002693.2:c.729C>A (NP_002684.1:p.Asp243Glu) [GRCH38: NC_000015.10:g.89330207G>T] variant in POLG gene is interpretated to be a Uncertain Significance based on ACMG guidelines (PMID: 25741868). This variant meets the following evidence codes reported in the ACMG-guideline. PM2:This variant is absent in key population databases. BP4:Computational evidence/predictors indicate no impact on the POLG structure, function, or protein-protein interaction. Based on the evidence criteria codes applied, the variant is suggested to be Uncertain Significance.

Blueprint Genetics
Classification: Uncertain significance. Last evaluated: 2018-07-03. Review status: criteria provided, single submitter. Criteria: ACMG Guidelines, 2015. Collection method: clinical testing. Allele origin: germline.

Illumina Laboratory Services, Illumina
Classification: Uncertain significance for POLG-Related Spectrum Disorders. Last evaluated: 2018-01-12. Review status: criteria provided, single submitter. Criteria: ICSL Variant Classification Criteria 13 December 2019. Collection method: clinical testing. Allele origin: germline.

Literature cited by the submitters: PubMed 29482223 (cited by Labcorp Genetics (formerly Invitae), Labcorp).